The following is an entry in ClinVar:

ClinVar aggregate classification (germline): Uncertain significance (1 of 4 stars; one submission).

Submission:

Labcorp Genetics (formerly Invitae), Labcorp
Classification: Uncertain significance. Last evaluated: 2025-03-27. Review status: criteria provided, single submitter. Criteria: Invitae Variant Classification Sherloc (09022015). Collection method: clinical testing. Allele origin: germline.
Comment: This sequence change replaces serine, which is neutral and polar, with cysteine, which is neutral and slightly polar, at codon 167 of the EDNRA protein (p.Ser167Cys). This variant is not present in population databases (gnomAD no frequency). This variant has not been reported in the literature in individuals affected with EDNRA-related conditions. Invitae Evidence Modeling of protein sequence and biophysical properties (such as structural, functional, and spatial information, amino acid conservation, physicochemical variation, residue mobility, and thermodynamic stability) indicates that this missense variant is not expected to disrupt EDNRA protein function with a negative predictive value of 80%. In summary, the available evidence is currently insufficient to determine the role of this variant in disease. Therefore, it has been classified as a Variant of Uncertain Significance.

NM_001957.4(EDNRA):c.500C>G (p.Ser167Cys)

Gene: EDNRA (endothelin receptor type A; plus strand). Cytogenetic location: 4q31.23.
Variant type: single nucleotide variant.
Coding change: c.500C>G on transcript NM_001957.4 (MANE Select); coding-DNA position 500, C replaced by G.
Protein change: p.Ser167Cys; replaces serine 167 with cysteine.
Molecular consequence: missense variant. On other transcripts: non-coding transcript variant (3), intron variant (1).
Genome position (GRCh38, 1-based): chr4:147,519,930, C>G. VCF-style: chr4-147519930-C-G. GRCh37 (hg19) VCF-style: chr4-148441082-C-G.
Other names: c.500C>G, p.Ser167Cys (NM_001354797.2); c.421-15947C>G (NM_001166055.2); short protein forms S167C.
Identifiers: ClinVar variation 4740837 (VCV004740837.1).
Genomic context (GRCh38, chr4:147,519,930, plus strand): 5'-CTTTTGATCACAATGACTTTGGCGTATTTCTTTGCAAGCTGTTCCCCTTTTTGCAGAAGT[C>G]CTCGGTGGGGATCACCGTCCTCAACCTCTGCGCTCTTAGTGTTGACAGGTAATGTGGTTC-3'
Protein context (NP_001948.1, residues 157-177): LCKLFPFLQK[Ser167Cys]SVGITVLNLC